The following is an entry in ClinVar:

NM_004974.4(KCNA2):c.513G>T (p.Met171Ile)

Gene: KCNA2 (potassium voltage-gated channel subfamily A member 2; minus strand). Cytogenetic location: 1p13.3.
Variant type: single nucleotide variant.
Coding change: c.513G>T on transcript NM_004974.4 (MANE Select); coding-DNA position 513, G replaced by T.
Protein change: p.Met171Ile; replaces methionine 171 with isoleucine.
Molecular consequence: missense variant.
Genome position (GRCh38, 1-based): chr1:110,604,270, C>A on the plus strand (G>T on the coding strand, the complement: KCNA2 is on the minus strand). VCF-style: chr1-110604270-C-A. GRCh37 (hg19) VCF-style: chr1-111146892-C-A.
Other names: c.513G>T, p.Met171Ile (NM_001204269.2); short protein forms M171I.
Identifiers: ClinVar variation 2860609 (VCV002860609.3), dbSNP rs768309729, ClinGen allele CA341603887.

ClinVar aggregate classification (germline): Uncertain significance (1 of 4 stars; one submission).

Conditions:
Developmental and epileptic encephalopathy, 32 (DEE32). Also called: Epileptic encephalopathy, early infantile, 32. Identifiers: Orphanet 442835, MedGen C4225350, MONDO:0014607, OMIM 616366.

Submission:

Labcorp Genetics (formerly Invitae), Labcorp
Classification: Uncertain significance for Developmental and epileptic encephalopathy, 32. Last evaluated: 2026-01-20. Review status: criteria provided, single submitter. Criteria: Invitae Variant Classification Sherloc (09022015). Collection method: clinical testing. Allele origin: germline.
Comment: This sequence change replaces methionine, which is neutral and non-polar, with isoleucine, which is neutral and non-polar, at codon 171 of the KCNA2 protein (p.Met171Ile). This variant is present in population databases (no rsID available, gnomAD 0.003%). This variant has not been reported in the literature in individuals affected with KCNA2-related conditions. ClinVar contains an entry for this variant (Variation ID: 2860609). Invitae Evidence Modeling of protein sequence and biophysical properties (such as structural, functional, and spatial information, amino acid conservation, physicochemical variation, residue mobility, and thermodynamic stability) indicates that this missense variant is not expected to disrupt KCNA2 protein function with a negative predictive value of 95%. In summary, the available evidence is currently insufficient to determine the role of this variant in disease. Therefore, it has been classified as a Variant of Uncertain Significance.